The following is an entry in ClinVar:

ClinVar aggregate classification (germline): Uncertain significance (1 of 4 stars; one submission).

Submission:

Labcorp Genetics (formerly Invitae), Labcorp
Classification: Uncertain significance. Last evaluated: 2022-11-30. Review status: criteria provided, single submitter. Criteria: Invitae Variant Classification Sherloc (09022015). Collection method: clinical testing. Allele origin: unknown.
Comment: This variant results in a copy number gain of the genomic region encompassing exon(s) 4-14 of the PRPF4 gene. This region includes the termination codon of the gene. This copy number gain extends beyond the assayed region for this gene and therefore may encompass additional genes. As the precise location of this event is unknown, it may be in tandem or it may be located elsewhere in the genome. In summary, the available evidence is currently insufficient to determine the role of this variant in disease. Therefore, it has been classified as a Variant of Uncertain Significance. This variant has not been reported in the literature in individuals affected with PRPF4-related conditions.

NC_000009.11:g.(?_116044906)_(116053940_?)dup

Gene: PRPF4 (pre-mRNA splicing tri-snRNP complex factor PRPF4; plus strand). Cytogenetic location: 9q32.
Variant type: Duplication.
Identifiers: ClinVar variation 3245326 (VCV003245326.1).